The following is an entry in ClinVar:

NM_014251.3(SLC25A13):c.229G>T (p.Glu77Ter)

Gene: SLC25A13 (solute carrier family 25 member 13; minus strand). Cytogenetic location: 7q21.3.
Variant type: single nucleotide variant.
Coding change: c.229G>T on transcript NM_014251.3 (MANE Select); coding-DNA position 229, G replaced by T.
Protein change: p.Glu77Ter; replaces glutamic acid 77 with a stop codon.
Molecular consequence: nonsense.
Genome position (GRCh38, 1-based): chr7:96,234,901, C>A on the plus strand (G>T on the coding strand, the complement: SLC25A13 is on the minus strand). VCF-style: chr7-96234901-C-A. GRCh37 (hg19) VCF-style: chr7-95864213-C-A.
Other names: c.229G>T (NM_014251.2, NM_001160210.1); c.229G>T, p.Glu77Ter (NM_001160210.2); short protein forms E77*.
Identifiers: ClinVar variation 1459462 (VCV001459462.12), dbSNP rs1254503252, ClinGen allele CA368408384.
Genomic context (GRCh38, chr7:96,234,901, plus strand): 5'-GAAAGGCTACCATAAACAAAGCATCAGGGGCACACAGGACAGATTCAAAGGCAACAAATT[C>A]TTGAAAAGATATTAATCTGCAACATAAAACAAACATAAAGCAAAAGTCAGTAGCTTGTGG-3'

ClinVar aggregate classification (germline): Pathogenic/Likely pathogenic. Review status: criteria provided, multiple submitters, no conflicts (2 of 4 stars). 5 submissions from 5 submitters: Pathogenic (3); Likely pathogenic (2). Last evaluated 2026-02-25.

Conditions:
Citrin deficiency. Identifiers: Orphanet 247582, MedGen C1997910, MONDO:0016602.
SLC25A13-related disorder. Also called: SLC25A13-related condition.
Citrullinemia, type II, adult-onset (CDAA). Also called: CITRIN DEFICIENCY, ADOLESCENT OR ADULT ONSET. Identifiers: Orphanet 247585, MedGen CN295299, MONDO:0011326, OMIM 603471.
Citrullinemia. Identifiers: Orphanet 187, MedGen C0175683, MONDO:0015991.

Allele frequency attached by ClinVar (database versions not stated): gnomAD exomes below 0.00001.
gnomAD v4.1: 4 of 1,613,392 alleles (0.00025%); highest among the groups gnomAD compares: Non-Finnish European, 0.00034%; no homozygotes.

Submissions (5):

PreventionGenetics, part of Exact Sciences
Classification: Pathogenic for SLC25A13-related condition. Last evaluated: 2026-02-25. Review status: criteria provided, single submitter. Criteria: ACMG Guidelines, 2015. Collection method: clinical testing. Allele origin: germline.
Comment: The SLC25A13 c.229G>T variant is predicted to result in premature protein termination (p.Glu77*). To our knowledge, this variant has not been reported in the literature. This variant is reported in 0.00088% of alleles in individuals of European (Non-Finnish) descent in gnomAD. Nonsense variants in SLC25A13 are expected to be pathogenic. This variant is interpreted as pathogenic.

Labcorp Genetics (formerly Invitae), Labcorp
Classification: Pathogenic for Citrin deficiency. Last evaluated: 2025-12-23. Review status: criteria provided, single submitter. Criteria: Invitae Variant Classification Sherloc (09022015). Collection method: clinical testing. Allele origin: germline.
Comment: This sequence change creates a premature translational stop signal (p.Glu77*) in the SLC25A13 gene. It is expected to result in an absent or disrupted protein product. Loss-of-function variants in SLC25A13 are known to be pathogenic (PMID: 10369257, 14680984, 27405544). This variant is present in population databases (no rsID available, gnomAD 0.0009%). This variant has not been reported in the literature in individuals affected with SLC25A13-related conditions. ClinVar contains an entry for this variant (Variation ID: 1459462). For these reasons, this variant has been classified as Pathogenic.

Natera, Inc.
Classification: Likely pathogenic for Citrullinemia. Last evaluated: 2024-08-29. Review status: criteria provided, single submitter. Criteria: Natera Variant Classification Schema (03/2026). Collection method: clinical testing. Allele origin: germline.
Comment: The c.229G>T variant in SLC25A13 is a nonsense variant predicted to introduce a stop codon at amino acid 77. This variant may result in a truncated or dysfunctional protein product. This variant is rare in the general population with a frequency below the threshold expected for the associated phenotype(s). Given the available evidence, this variant is classified as Likely Pathogenic.

Genomic Medicine Center of Excellence, King Faisal Specialist Hospital and Research Centre
Classification: Pathogenic for Citrullinemia, type II, adult-onset. Last evaluated: 2024-03-25. Review status: criteria provided, single submitter. Criteria: ACMG Guidelines, 2015. Collection method: research. Allele origin: germline.

Baylor Genetics
Classification: Likely pathogenic for Citrullinemia, type II, adult-onset. Last evaluated: 2023-11-28. Review status: criteria provided, single submitter. Criteria: ACMG Guidelines, 2015. Collection method: clinical testing. Allele origin: unknown.

Literature cited by the submitters: PubMed 10369257 (cited by Labcorp Genetics (formerly Invitae), Labcorp); PubMed 14680984 (cited by Labcorp Genetics (formerly Invitae), Labcorp); PubMed 27405544 (cited by Labcorp Genetics (formerly Invitae), Labcorp).